The following is an entry in ClinVar:

ClinVar aggregate classification (germline): Uncertain significance (1 of 4 stars; one submission).

Conditions:
Beckwith-Wiedemann syndrome (BWS). Also called: EMG SYNDROME; Exomphalos macroglossia gigantism syndrome. Identifiers: Orphanet 116, MedGen C0004903, MONDO:0007534, OMIM 130650.

gnomAD v4.1: 6 of 1,106,378 alleles (0.00054%); highest among the groups gnomAD compares: Non-Finnish European, 0.00068%; no homozygotes.

Submission:

Labcorp Genetics (formerly Invitae), Labcorp
Classification: Uncertain significance for Beckwith-Wiedemann syndrome. Last evaluated: 2023-09-10. Review status: criteria provided, single submitter. Criteria: Invitae Variant Classification Sherloc (09022015). Collection method: clinical testing. Allele origin: germline.
Comment: Advanced modeling of protein sequence and biophysical properties (such as structural, functional, and spatial information, amino acid conservation, physicochemical variation, residue mobility, and thermodynamic stability) performed at Invitae indicates that this missense variant is not expected to disrupt CDKN1C protein function. ClinVar contains an entry for this variant (Variation ID: 1373836). This variant has not been reported in the literature in individuals affected with CDKN1C-related conditions. The frequency data for this variant in the population databases is considered unreliable, as metrics indicate insufficient coverage at this position in the gnomAD database. This sequence change replaces proline, which is neutral and non-polar, with alanine, which is neutral and non-polar, at codon 168 of the CDKN1C protein (p.Pro168Ala). In summary, the available evidence is currently insufficient to determine the role of this variant in disease. Therefore, it has been classified as a Variant of Uncertain Significance.

NM_001122630.2(CDKN1C):c.469C>G (p.Pro157Ala)

Gene: CDKN1C (cyclin dependent kinase inhibitor 1C; minus strand). Cytogenetic location: 11p15.4.
Variant type: single nucleotide variant.
Coding change: c.469C>G on transcript NM_001122630.2 (MANE Select); coding-DNA position 469, C replaced by G.
Protein change: p.Pro157Ala; replaces proline 157 with alanine.
Molecular consequence: missense variant. On other transcripts: intron variant (1).
Genome position (GRCh38, 1-based): chr11:2,884,988, G>C on the plus strand (C>G on the coding strand, the complement: CDKN1C is on the minus strand). VCF-style: chr11-2884988-G-C. GRCh37 (hg19) VCF-style: chr11-2906218-G-C.
Other names: c.502C>G, p.Pro168Ala (NM_000076.2, NM_001362474.2); c.469C>G, p.Pro157Ala (NM_001122631.2); c.255+214C>G (NM_001362475.2); short protein forms P157A, P168A.
Identifiers: ClinVar variation 1373836 (VCV001373836.6), dbSNP rs1848948122, ClinGen allele CA379146576.